The following is an entry in ClinVar:

ClinVar aggregate classification (germline): Pathogenic/Likely pathogenic. Review status: criteria provided, multiple submitters, no conflicts (2 of 4 stars). 3 submissions from 3 submitters: Pathogenic (2); Likely pathogenic (1). Last evaluated 2026-06-29.

Conditions:
Inborn genetic diseases. Identifiers: MedGen C0950123, MeSH D030342.
Intellectual developmental disorder, autosomal dominant 44, with microcephaly. Also called: TRIO-Related Intellectual Disability; Micrognathia-recurrent infections-behavioral abnormalities-mild intellectual disability syndrome. Identifiers: Orphanet 476126, MedGen C4310740, MONDO:0014892, OMIM 617061.
Autism Spectrum Disorder with Intellectual Disability.

gnomAD v4.1: 1 of 1,612,230 alleles (0.000062%); highest among the groups gnomAD compares: Non-Finnish European, 0.000085%; no homozygotes.

Submissions (3):

Laboratory of Medical Genetics, University of Torino
Classification: Likely pathogenic for Autism spectrum disorder with intellectual disability. Last evaluated: 2026-06-29. Review status: criteria provided, single submitter. Criteria: ACMG Guidelines, 2015. Collection method: clinical testing. Allele origin: de novo. Affected: yes.
Comment: The NM_007118.4(TRIO):c.4231C>T (p.Arg1411*) variant causes a stop gained change predicted to lead to nonsense-mediated mRNA decay. The variant allele was found at a cumulative frequency of 0.000000685 (AC=1) in the gnomAD database across 1,459,992 control chromosomes (no homozygotes observed).

Ambry Genetics
Classification: Pathogenic for Inborn genetic diseases. Last evaluated: 2025-10-23. Review status: criteria provided, single submitter. Criteria: Ambry Variant Classification Scheme 2023. Collection method: clinical testing. Allele origin: germline.
Comment: The c.4231C>T (p.R1411*) alteration, located in exon 28 (coding exon 28) of the TRIO gene, consists of a C to T substitution at nucleotide position 4231. This changes the amino acid from an arginine (R) to a stop codon at amino acid position 1411. This alteration is expected to result in loss of function by premature protein truncation or nonsense-mediated mRNA decay. for TRIO-related neurodevelopmental disorder with microcephaly; however, it is unlikely to be causative of TRIO-related neurodevelopmental disorder with macrocephaly. This variant was not reported in population-based cohorts in the Genome Aggregation Database (gnomAD). This variant was reported in individual(s) with features consistent with TRIO-related neurodevelopmental disorder with microcephaly; in at least one individual, it was determined to be de novo (Aspromonte, 2019; Gazdagh, 2023). Based on the available evidence, this alteration is classified as pathogenic.

Institute of Immunology and Genetics Kaiserslautern
Classification: Pathogenic for Intellectual developmental disorder, autosomal dominant 44, with microcephaly. Last evaluated: 2022-07-04. Review status: criteria provided, single submitter. Criteria: ACMG Guidelines, 2015. Collection method: clinical testing. Allele origin: de novo. Affected: yes.
Comment: ACMG Criteria: PVS1, PS2, PM2; Variant was found in heterozygous state. De novo-status was confirmed via in-house segregation analysis.

Literature cited by the submitters: PubMed 31209962 (cited by Ambry Genetics); PubMed 36987741 (cited by Ambry Genetics).

NM_007118.4(TRIO):c.4231C>T (p.Arg1411Ter)

Gene: TRIO (trio Rho guanine nucleotide exchange factor; plus strand). Cytogenetic location: 5p15.2.
Variant type: single nucleotide variant.
Coding change: c.4231C>T on transcript NM_007118.4 (MANE Select); coding-DNA position 4231, C replaced by T.
Protein change: p.Arg1411Ter; replaces arginine 1411 with a stop codon.
Molecular consequence: nonsense. On other transcripts: non-coding transcript variant (1).
Genome position (GRCh38, 1-based): chr5:14,394,050, C>T. VCF-style: chr5-14394050-C-T. GRCh37 (hg19) VCF-style: chr5-14394159-C-T.
Other names: c.4231C>T (NM_007118.2); short protein forms R1411*.
Identifiers: ClinVar variation 3366985 (VCV003366985.3).